The following is an entry in ClinVar:

NM_001127208.3(TET2):c.3236C>T (p.Pro1079Leu)

Genes: TET2 (tet methylcytosine dioxygenase 2; plus strand), TET2-AS1 (TET2 antisense RNA 1; minus strand). Cytogenetic location: 4q24.
Variant type: single nucleotide variant.
Coding change: c.3236C>T on transcript NM_001127208.3 (MANE Select); coding-DNA position 3236, C replaced by T.
Protein change: p.Pro1079Leu; replaces proline 1079 with leucine.
Molecular consequence: missense variant.
Genome position (GRCh38, 1-based): chr4:105,237,178, C>T. VCF-style: chr4-105237178-C-T. GRCh37 (hg19) VCF-style: chr4-106158335-C-T.
Other names: c.3236C>T, p.Pro1079Leu (NM_017628.4); short protein forms P1079L.
Identifiers: ClinVar variation 5030715 (VCV005030715.1).

ClinVar aggregate classification (germline): Uncertain significance (1 of 4 stars; one submission).

gnomAD v4.1: 2 of 1,614,026 alleles (0.00012%); highest among the groups gnomAD compares: African/African-American, 0.0013%; no homozygotes.

Submission:

Ambry Genetics
Classification: Uncertain significance. Last evaluated: 2026-07-18. Review status: criteria provided, single submitter. Criteria: Ambry Variant Classification Scheme 2023. Collection method: clinical testing. Allele origin: germline.
Comment: The p.P1079L variant (also known as c.3236C>T), located in coding exon 1 of the TET2 gene, results from a C to T substitution at nucleotide position 3236. The proline at codon 1079 is replaced by leucine, an amino acid with similar properties. This amino acid position is conserved. In addition, this alteration is predicted to be tolerated by in silico analysis. Based on the available evidence, the clinical significance of this variant remains unclear.